The following is an entry in ClinVar:

NM_000168.6(GLI3):c.3454del (p.Glu1152fs)

Gene: GLI3 (GLI family zinc finger 3; minus strand). Cytogenetic location: 7p14.1.
Variant type: Deletion.
Coding change: c.3454del on transcript NM_000168.6 (MANE Select); coding-DNA position 3454, one base deleted (G; older notation c.3454delG).
Protein change: p.Glu1152fs; shifts the reading frame from glutamic acid 1152.
Molecular consequence: frameshift variant.
Genome position (GRCh38, 1-based): chr7:41,965,619, C deleted on the plus strand (G on the coding strand, the reverse complement: GLI3 is on the minus strand). VCF-style (leftmost placement, unchanged base first): chr7-41965618-TC-T. GRCh37 (hg19) VCF-style: chr7-42005216-TC-T.
Other names: short protein forms E1152fs.
Identifiers: ClinVar variation 850624 (VCV000850624.11), dbSNP rs1787146494, ClinGen allele CA916082924.

ClinVar aggregate classification (germline): Pathogenic (1 of 4 stars; one submission).

Conditions:
Greig cephalopolysyndactyly syndrome (GCPS). Also called: POLYSYNDACTYLY WITH PECULIAR SKULL SHAPE; Greig syndrome; GLI3-Related Greig Cephalopolysyndactyly Syndrome. Identifiers: Orphanet 380, MedGen C0265306, MONDO:0008287, OMIM 175700.
Pallister-Hall syndrome (PHS). Also called: HYPOTHALAMIC HAMARTOBLASTOMA, HYPOPITUITARISM, IMPERFORATE ANUS, AND POSTAXIAL POLYDACTYLY; GLI3-Related Pallister-Hall Syndrome. Identifiers: Orphanet 672, MedGen C0265220, MONDO:0007804, OMIM 146510.

Submission:

Labcorp Genetics (formerly Invitae), Labcorp
Classification: Pathogenic for Pallister-Hall syndrome; Greig cephalopolysyndactyly syndrome. Last evaluated: 2022-09-28. Review status: criteria provided, single submitter. Criteria: Invitae Variant Classification Sherloc (09022015). Collection method: clinical testing. Allele origin: germline.
Comment: This sequence change creates a premature translational stop signal (p.Glu1152Argfs*54) in the GLI3 gene. While this is not anticipated to result in nonsense mediated decay, it is expected to disrupt the last 429 amino acid(s) of the GLI3 protein. This variant has not been reported in the literature in individuals affected with GLI3-related conditions. This variant is not present in population databases (gnomAD no frequency). For these reasons, this variant has been classified as Pathogenic. This variant disrupts a region of the GLI3 protein in which other variant(s) (p.Glu1478*, p.Glu1500*) have been determined to be pathogenic (Invitae). This suggests that this is a clinically significant region of the protein, and that variants that disrupt it are likely to be disease-causing. ClinVar contains an entry for this variant (Variation ID: 850624).